The following is an entry in ClinVar:

NM_004304.5(ALK):c.2842C>A (p.Pro948Thr)

Gene: ALK (ALK receptor tyrosine kinase; minus strand). Cytogenetic location: 2p23.2.
Variant type: single nucleotide variant.
Coding change: c.2842C>A on transcript NM_004304.5 (MANE Select); coding-DNA position 2842, C replaced by A.
Protein change: p.Pro948Thr; replaces proline 948 with threonine.
Molecular consequence: missense variant.
Genome position (GRCh38, 1-based): chr2:29,227,646, G>T on the plus strand (C>A on the coding strand, the complement: ALK is on the minus strand). VCF-style: chr2-29227646-G-T. GRCh37 (hg19) VCF-style: chr2-29450512-G-T.
Other names: short protein forms P948T.
Identifiers: ClinVar variation 4834127 (VCV004834127.1).
Genomic context (GRCh38, chr2:29,227,646, plus strand): 5'-GGGTGTACAGGATGCCCAGTGGACTGATGAAGGAAACCCCATCTTCCCCATCCATTTCGG[G>T]GTCATTGTTTGAGGCTGCATTGCCGCCTGAGTAGCAAACCAGAGCAGAGTTTAACATGGG-3'
Protein context (NP_004295.2, residues 938-958): IGGNAASNND[Pro948Thr]EMDGEDGVSF

ClinVar aggregate classification (germline): Uncertain significance (1 of 4 stars; one submission).

Conditions:
Hereditary cancer-predisposing syndrome. Also called: Neoplastic Syndromes, Hereditary; Tumor predisposition; Hereditary Cancer Syndrome; Hereditary neoplastic syndrome. Identifiers: Orphanet 140162, MedGen C0027672, MeSH D009386, MONDO:0015356.

gnomAD v4.1: 2 of 1,613,978 alleles (0.00012%); highest among the groups gnomAD compares: Non-Finnish European, 0.00017%; no homozygotes.

Submission:

Ambry Genetics
Classification: Uncertain significance for Hereditary cancer-predisposing syndrome. Last evaluated: 2026-03-03. Review status: criteria provided, single submitter. Criteria: Ambry Variant Classification Scheme 2023. Collection method: clinical testing. Allele origin: germline.
Comment: The p.P948T variant (also known as c.2842C>A), located in coding exon 17 of the ALK gene, results from a C to A substitution at nucleotide position 2842. The proline at codon 948 is replaced by threonine, an amino acid with highly similar properties. This amino acid position is conserved. In addition, this alteration is predicted to be tolerated by in silico analysis. Based on the available evidence, the clinical significance of this variant remains unclear.